The following is an entry in ClinVar:

ClinVar aggregate classification (germline): Uncertain significance. Review status: criteria provided, multiple submitters, no conflicts (2 of 4 stars). 4 submissions from 4 submitters: Uncertain significance (4). Last evaluated 2025-05-19.

Conditions:
Inborn genetic diseases. Identifiers: MedGen C0950123, MeSH D030342.
Holoprosencephaly sequence (HPE). Also called: Holoprosencephaly. Identifiers: Orphanet 2162, MedGen C0079541, MONDO:0016296, HP:0001360.
FOXH1-related disorder. Also called: FOXH1-related condition.

Allele frequency attached by ClinVar (database versions not stated): gnomAD 0.00005 and 0.00006; gnomAD exomes 0.00005 and 0.00015; TOPMed 0.00005; ExAC 0.00008; ESP Exome Variant Server 0.00016.

Submissions (4):

Ambry Genetics
Classification: Uncertain significance for Inborn genetic diseases. Last evaluated: 2025-05-19. Review status: criteria provided, single submitter. Criteria: Ambry Variant Classification Scheme 2023. Collection method: clinical testing. Allele origin: germline.

Labcorp Genetics (formerly Invitae), Labcorp
Classification: Uncertain significance for Holoprosencephaly sequence. Last evaluated: 2023-12-30. Review status: criteria provided, single submitter. Criteria: Invitae Variant Classification Sherloc (09022015). Collection method: clinical testing. Allele origin: germline.
Comment: This sequence change replaces arginine, which is basic and polar, with glutamine, which is neutral and polar, at codon 129 of the FOXH1 protein (p.Arg129Gln). This variant is present in population databases (rs149905713, gnomAD 0.009%). This variant has not been reported in the literature in individuals affected with FOXH1-related conditions. ClinVar contains an entry for this variant (Variation ID: 577331). Advanced modeling of protein sequence and biophysical properties (such as structural, functional, and spatial information, amino acid conservation, physicochemical variation, residue mobility, and thermodynamic stability) performed at Invitae indicates that this missense variant is not expected to disrupt FOXH1 protein function with a negative predictive value of 80%. In summary, the available evidence is currently insufficient to determine the role of this variant in disease. Therefore, it has been classified as a Variant of Uncertain Significance.

PreventionGenetics, part of Exact Sciences
Classification: Uncertain significance for FOXH1-related condition. Last evaluated: 2022-09-06. Review status: criteria provided, single submitter. Criteria: ACMG Guidelines, 2015. Collection method: clinical testing. Allele origin: germline.
Comment: The FOXH1 c.386G>A variant is predicted to result in the amino acid substitution p.Arg129Gln. To our knowledge, this variant has not been reported in the literature. This variant is reported in 0.0089% of alleles in individuals of European (Non-Finnish) descent in gnomAD. Although we suspect that this variant may be benign, at this time, the clinical significance of this variant is uncertain due to the absence of conclusive functional and genetic evidence.

Illumina Laboratory Services, Illumina
Classification: Uncertain significance for Holoprosencephaly sequence. Last evaluated: 2018-01-12. Review status: criteria provided, single submitter. Criteria: ICSL Variant Classification Criteria 13 December 2019. Collection method: clinical testing. Allele origin: germline.

NM_003923.3(FOXH1):c.386G>A (p.Arg129Gln)

Gene: FOXH1 (forkhead box H1; minus strand). Cytogenetic location: 8q24.3.
Variant type: single nucleotide variant.
Coding change: c.386G>A on transcript NM_003923.3 (MANE Select); coding-DNA position 386, G replaced by A.
Protein change: p.Arg129Gln; replaces arginine 129 with glutamine.
Molecular consequence: missense variant.
Genome position (GRCh38, 1-based): chr8:144,474,950, C>T on the plus strand (G>A on the coding strand, the complement: FOXH1 is on the minus strand). VCF-style: chr8-144474950-C-T. GRCh37 (hg19) VCF-style: chr8-145700333-C-T.
Other names: short protein forms R129Q.
Identifiers: ClinVar variation 577331 (VCV000577331.13), dbSNP rs149905713, ClinGen allele CA4945561.